The following is an entry in ClinVar:

ClinVar aggregate classification (germline): Uncertain significance (1 of 4 stars; one submission).

gnomAD v4.1: 7 of 1,614,108 alleles (0.00043%); highest among the groups gnomAD compares: Non-Finnish European, 0.00051%; no homozygotes.

Submission:

Ambry Genetics
Classification: Uncertain significance. Last evaluated: 2024-09-11. Review status: criteria provided, single submitter. Criteria: Ambry Variant Classification Scheme 2023. Collection method: clinical testing. Allele origin: germline.
Comment: The p.T317A variant (also known as c.949A>G), located in coding exon 4 of the TMPO gene, results from an A to G substitution at nucleotide position 949. The threonine at codon 317 is replaced by alanine, an amino acid with similar properties. This amino acid position is conserved. In addition, this alteration is predicted to be tolerated by in silico analysis. Based on the available evidence, the clinical significance of this variant remains unclear.

NM_001032283.3(TMPO):c.565+1368A>G

Gene: TMPO (thymopoietin; plus strand). Cytogenetic location: 12q23.1.
Variant type: single nucleotide variant.
Coding change: c.565+1368A>G on transcript NM_001032283.3 (MANE Select); 1368 bases into the intron after coding-DNA position 565, A replaced by G.
Molecular consequence: intron variant. On other transcripts: missense variant (1).
Genome position (GRCh38, 1-based): chr12:98,533,206, A>G. VCF-style: chr12-98533206-A-G. GRCh37 (hg19) VCF-style: chr12-98926984-A-G.
Other names: c.949A>G, p.Thr317Ala (NM_003276.2); c.565+1368A>G (NM_001307975.2, NM_001032284.3); short protein forms T317A.
Identifiers: ClinVar variation 3458755 (VCV003458755.1).